The following is an entry in ClinVar:

ClinVar aggregate classification (germline): Uncertain significance. Review status: criteria provided, multiple submitters, no conflicts (2 of 4 stars). 2 submissions from 2 submitters: Uncertain significance (2). Last evaluated 2024-10-05.

Conditions:
Hypopigmentation-punctate palmoplantar keratoderma syndrome. Also called: GUTTATE HYPOPIGMENTATION AND PUNCTATE PALMOPLANTAR KERATODERMA WITH OR WITHOUT ECTOPIC CALCIFICATION; Cole disease. Identifiers: Orphanet 324561, MedGen C3809781, MONDO:0014227, OMIM 615522.
Type 2 diabetes mellitus. Also called: Type II diabetes mellitus. Identifiers: MedGen C0011860, MeSH D003924, MONDO:0005148, OMIM 125853, HP:0005978.
Arterial calcification, generalized, of infancy, 1 (GACI1). Also called: Idiopathic Infantile Arterial Calcification. Identifiers: Orphanet 51608, MedGen C4551985, MONDO:0008817, OMIM 208000.
Hypophosphatemic rickets, autosomal recessive, 2 (ARHR2). Identifiers: Orphanet 289176, MedGen C2750078, MONDO:0013219, OMIM 613312.
Inherited obesity. Also called: Monogenic Obesity. Identifiers: Orphanet 77828, MedGen C4054476, MONDO:0019182, OMIM 601665.

Allele frequency attached by ClinVar (database versions not stated): gnomAD exomes below 0.00001; TOPMed below 0.00001; gnomAD 0.00001.
gnomAD v4.1: 9 of 1,612,900 alleles (0.00056%); highest among the groups gnomAD compares: East Asian, 0.0045%; no homozygotes.

Submissions (2):

Labcorp Genetics (formerly Invitae), Labcorp
Classification: Uncertain significance. Last evaluated: 2024-10-05. Review status: criteria provided, single submitter. Criteria: Invitae Variant Classification Sherloc (09022015). Collection method: clinical testing. Allele origin: germline.
Comment: This sequence change replaces proline, which is neutral and non-polar, with leucine, which is neutral and non-polar, at codon 459 of the ENPP1 protein (p.Pro459Leu). This variant is not present in population databases (gnomAD no frequency). This variant has not been reported in the literature in individuals affected with ENPP1-related conditions. ClinVar contains an entry for this variant (Variation ID: 1511169). Invitae Evidence Modeling of protein sequence and biophysical properties (such as structural, functional, and spatial information, amino acid conservation, physicochemical variation, residue mobility, and thermodynamic stability) indicates that this missense variant is not expected to disrupt ENPP1 protein function with a negative predictive value of 80%. In summary, the available evidence is currently insufficient to determine the role of this variant in disease. Therefore, it has been classified as a Variant of Uncertain Significance.

Fulgent Genetics
Classification: Uncertain significance for Type 2 diabetes mellitus; Arterial calcification, generalized, of infancy, 1; Inherited obesity; Hypophosphatemic rickets, autosomal recessive, 2; Hypopigmentation-punctate palmoplantar keratoderma syndrome. Last evaluated: 2024-04-12. Review status: criteria provided, single submitter. Criteria: ACMG Guidelines, 2015. Collection method: clinical testing. Allele origin: germline.

NM_006208.3(ENPP1):c.1376C>T (p.Pro459Leu)

Gene: ENPP1 (ectonucleotide pyrophosphatase/phosphodiesterase 1; plus strand). Cytogenetic location: 6q23.2.
Variant type: single nucleotide variant.
Coding change: c.1376C>T on transcript NM_006208.3 (MANE Select); coding-DNA position 1376, C replaced by T.
Protein change: p.Pro459Leu; replaces proline 459 with leucine.
Molecular consequence: missense variant.
Genome position (GRCh38, 1-based): chr6:131,869,460, C>T. VCF-style: chr6-131869460-C-T. GRCh37 (hg19) VCF-style: chr6-132190600-C-T.
Other names: short protein forms P459L.
Identifiers: ClinVar variation 1511169 (VCV001511169.9), dbSNP rs1340431392, ClinGen allele CA365675088.